The following is an entry in ClinVar:

ClinVar aggregate classification (germline): Uncertain significance (1 of 4 stars; one submission).

Conditions:
Encephalopathy, acute, infection-induced (herpes-specific), susceptibility to, 6. Also called: Herpes simplex encephalitis, susceptibility to, 4. Identifiers: Orphanet 1930, MedGen C3553869, MONDO:0013921, OMIM 614850.

Allele frequency attached by ClinVar (database versions not stated): gnomAD exomes below 0.00001.

Submission:

Labcorp Genetics (formerly Invitae), Labcorp
Classification: Uncertain significance for Encephalopathy, acute, infection-induced (herpes-specific), susceptibility to, 6. Last evaluated: 2022-06-18. Review status: criteria provided, single submitter. Criteria: Invitae Variant Classification Sherloc (09022015). Collection method: clinical testing. Allele origin: germline.
Comment: In summary, the available evidence is currently insufficient to determine the role of this variant in disease. Therefore, it has been classified as a Variant of Uncertain Significance. Algorithms developed to predict the effect of missense changes on protein structure and function output the following: SIFT: "Tolerated"; PolyPhen-2: "Benign"; Align-GVGD: "Class C0". The leucine amino acid residue is found in multiple mammalian species, which suggests that this missense change does not adversely affect protein function. This variant has not been reported in the literature in individuals affected with TICAM1-related conditions. This variant is not present in population databases (gnomAD no frequency). This sequence change replaces proline, which is neutral and non-polar, with leucine, which is neutral and non-polar, at codon 240 of the TICAM1 protein (p.Pro240Leu).

NM_182919.4(TICAM1):c.719C>T (p.Pro240Leu)

Gene: TICAM1 (TIR domain containing adaptor molecule 1; minus strand). Cytogenetic location: 19p13.3.
Variant type: single nucleotide variant.
Coding change: c.719C>T on transcript NM_182919.4 (MANE Select); coding-DNA position 719, C replaced by T.
Protein change: p.Pro240Leu; replaces proline 240 with leucine.
Molecular consequence: missense variant.
Genome position (GRCh38, 1-based): chr19:4,817,659, G>A on the plus strand (C>T on the coding strand, the complement: TICAM1 is on the minus strand). VCF-style: chr19-4817659-G-A. GRCh37 (hg19) VCF-style: chr19-4817671-G-A.
Other names: c.677C>T, p.Pro226Leu (NM_001385678.1); c.584C>T, p.Pro195Leu (NM_001385679.1); c.77C>T, p.Pro26Leu (NM_001385680.1); short protein forms P195L, P240L, P226L, P26L.
Identifiers: ClinVar variation 1930825 (VCV001930825.5), dbSNP rs2512399436, ClinGen allele CA403491843.
Genomic context (GRCh38, chr19:4,817,659, plus strand): 5'-TCCCCCGATGGCGGCCAGCTCATCTCCTCAGGCTCCTGGCAGCCACCGGGGACAGGCTCG[G>A]GCACCAAGCTGGCCTGGGGGTCGTCACAGAGCTTGCTGGGCCCATGTGGGCTGCGGTGCA-3'
Protein context (NP_891549.1, residues 230-250): LCDDPQASLV[Pro240Leu]EPVPGGCQEP